The following is an entry in ClinVar:

ClinVar aggregate classification (germline): Pathogenic. Review status: criteria provided, multiple submitters, no conflicts (2 of 4 stars). 3 submissions from 3 submitters: Pathogenic (2). 1 of the submissions does not count toward it. Last evaluated 2024-10-09.

Conditions:
Tuberous sclerosis 1 (TSC1). Identifiers: Orphanet 805, MedGen C1854465, MONDO:0008612, OMIM 191100.
Tuberous sclerosis syndrome (TSC). Also called: Tuberous Sclerosis Complex; Tuberous sclerosis. Identifiers: Orphanet 805, MedGen C0041341, MONDO:0001734.
Tuberous sclerosis 2 (TSC2). Identifiers: Orphanet 805, MedGen C1860707, MONDO:0013199, OMIM 613254.

Submissions (3):

Institute of Human Genetics, University of Leipzig Medical Center
Classification: Pathogenic for Tuberous sclerosis 1. Last evaluated: 2024-10-09. Review status: criteria provided, single submitter. Criteria: ACMG Guidelines, 2015. Collection method: clinical testing. Allele origin: unknown. Inheritance: Autosomal dominant inheritance. Affected: yes.
Comment: Criteria applied: PVS1,PS1_MOD,PS4_MOD,PM2

Oasi Research Institute-IRCCS
Classification: Pathogenic for Tuberous sclerosis 2. Review status: criteria provided, single submitter. Criteria: ACMG Guidelines, 2015. Collection method: research. Allele origin: de novo. Affected: yes.
Comment: Mutation is located in a canonical splice-site and is predicted to affect mRNA splicing resulting in a significantly altered protein due to either exon skipping, shortening, or inclusion of intronic material. Several computational tools predict a significant impact on normal splicing. The variant was absent in control chromosomes. ACMG criteria: PVS1 (LOF), PP4 (phenotype match), PM2 (absent from control), PP3 (in silico evidence), PS2 (de novo) = Pathogenic. Based on the evidence outlined above, the variant was classified as Pathogenic.

Tuberous sclerosis database (TSC2)
No classification provided. Condition: TSC. Review status: no classification provided. Criteria: Tuberous Sclerosis Database Assertion Criteria 2015. Collection method: curation. Allele origin: germline. Affected: yes. Not counted in ClinVar's aggregate classification.

NM_000548.5(TSC2):c.2221-1G>C

Gene: TSC2 (TSC complex subunit 2; plus strand). Cytogenetic location: 16p13.3.
Variant type: single nucleotide variant.
Coding change: c.2221-1G>C on transcript NM_000548.5 (MANE Select); the canonical splice acceptor site of the intron before coding-DNA position 2221, G replaced by C.
Molecular consequence: splice acceptor variant.
Genome position (GRCh38, 1-based): chr16:2,072,848, G>C. VCF-style: chr16-2072848-G-C. GRCh37 (hg19) VCF-style: chr16-2122849-G-C.
Other names: c.877-1G>C (NM_001406693.1, NM_001406689.1, NM_001406690.1 and 6 more transcripts); c.2311-1G>C (NM_001406667.1, NM_001406668.1); c.1621-1G>C (NM_001406680.1, NM_001406683.1, NM_001406687.1 and 6 more transcripts); c.619-1G>C (NM_001406698.1); c.2221-1G>C (NM_001114382.3, NM_001406663.1, NM_001406664.1 and 6 more transcripts); c.2209-1G>C (NM_001406671.1, NM_001406673.1); c.1759-1G>C (NM_001406681.1); c.2110-1G>C (NM_001406670.1, NM_001318827.2, NM_001406678.1); and 3 more.
Identifiers: ClinVar variation 49197 (VCV000049197.6), dbSNP rs45517218, ClinGen allele CA016978.